The following is an entry in ClinVar:

NM_015114.3(ANKLE2):c.2484-4dup

Gene: ANKLE2 (ankyrin repeat and LEM domain containing 2; minus strand). Cytogenetic location: 12q24.33.
Variant type: Duplication.
Coding change: c.2484-4dup on transcript NM_015114.3 (MANE Select); 4 bases into the intron before coding-DNA position 2484, one base duplicated (C; older notation c.2484-4dupC).
Molecular consequence: intron variant.
Genome position (GRCh38, 1-based): chr12:132,728,167, G duplicated on the plus strand (C on the coding strand, the reverse complement: ANKLE2 is on the minus strand). VCF-style (leftmost placement, unchanged base first): chr12-132728166-A-AG. GRCh37 (hg19) VCF-style: chr12-133304752-A-AG.
Other names: c.2484-4dupC (NM_015114.3).
Identifiers: ClinVar variation 3339783 (VCV003339783.1).

ClinVar aggregate classification (germline): Uncertain significance (1 of 4 stars; one submission).

Submission:

Women's Health and Genetics/Laboratory Corporation of America, LabCorp
Classification: Uncertain significance. Last evaluated: 2024-06-25. Review status: criteria provided, single submitter. Criteria: LabCorp Variant Classification Summary - May 2015. Collection method: clinical testing. Allele origin: germline.
Comment: Variant summary: ANKLE2 c.2484-4dupC alters a non-conserved nucleotide located close to a canonical splice site and therefore could affect mRNA splicing, leading to a significantly altered protein sequence. Consensus agreement among computation tools predict no significant impact on normal splicing. However, these predictions have yet to be confirmed by functional studies. The variant allele was found at a frequency of 8.2e-05 in 244982 control chromosomes. This frequency is not significantly higher than estimated for a pathogenic variant in ANKLE2 causing Microcephaly 16, Primary, Autosomal Recessive, allowing no conclusion about variant significance. To our knowledge, no occurrence of c.2484-4dupC in individuals affected with Microcephaly 16, Primary, Autosomal Recessive and no experimental evidence demonstrating its impact on protein function have been reported. No submitters have cited clinical-significance assessments for this variant to ClinVar. Based on the evidence outlined above, the variant was classified as uncertain significance.